The following is an entry in ClinVar:

NM_004817.4(TJP2):c.2164G>A (p.Val722Ile)

Gene: TJP2 (tight junction protein 2; plus strand). Cytogenetic location: 9q21.11.
Variant type: single nucleotide variant.
Coding change: c.2164G>A on transcript NM_004817.4 (MANE Select); coding-DNA position 2164, G replaced by A.
Protein change: p.Val722Ile; replaces valine 722 with isoleucine.
Molecular consequence: missense variant.
Genome position (GRCh38, 1-based): chr9:69,237,121, G>A. VCF-style: chr9-69237121-G-A. GRCh37 (hg19) VCF-style: chr9-71852037-G-A.
Other names: c.2095G>A, p.Val699Ile (NM_001170414.2, NM_001369871.1); c.2176G>A, p.Val726Ile (NM_001170415.1, NM_001369874.1, NM_001369875.1); c.2257G>A, p.Val753Ile (NM_001170416.2); c.2089G>A, p.Val697Ile (NM_001369870.1); c.2164G>A, p.Val722Ile (NM_001369872.1, NM_001369873.1, NM_201629.3); short protein forms V697I, V699I, V722I, V726I, V753I.
Identifiers: ClinVar variation 1333042 (VCV001333042.4), dbSNP rs755062873, ClinGen allele CA5073590.

ClinVar aggregate classification (germline): Uncertain significance (1 of 4 stars; one submission).

Allele frequency attached by ClinVar (database versions not stated): gnomAD exomes below 0.00001 and 0.00001; ExAC 0.00001; gnomAD 0.00001; TOPMed 0.00001.
gnomAD v4.1: 7 of 1,614,006 alleles (0.00043%); highest among the groups gnomAD compares: Admixed American, 0.0067%; no homozygotes.

Submission:

GeneDx
Classification: Uncertain significance. Last evaluated: 2024-08-06. Review status: criteria provided, single submitter. Criteria: GeneDx Variant Classification Process June 2021. Collection method: clinical testing. Allele origin: germline. Affected: yes.
Comment: In silico analysis indicates that this missense variant does not alter protein structure/function; Has not been previously published as pathogenic or benign to our knowledge